The following is an entry in ClinVar:

ClinVar aggregate classification (germline): Likely benign. Review status: criteria provided, multiple submitters, no conflicts (2 of 4 stars). 3 submissions from 3 submitters: Likely benign (3). Last evaluated 2026-01-11.

Allele frequency attached by ClinVar (database versions not stated): gnomAD exomes 0.00011; gnomAD 0.00014; TOPMed 0.00017; ESP Exome Variant Server 0.00031.

Submissions (3):

Labcorp Genetics (formerly Invitae), Labcorp
Classification: Likely benign. Last evaluated: 2026-01-11. Review status: criteria provided, single submitter. Criteria: Invitae Variant Classification Sherloc (09022015). Collection method: clinical testing. Allele origin: germline.

CeGaT Center for Human Genetics Tuebingen
Classification: Likely benign. Last evaluated: 2022-08-01. Review status: criteria provided, single submitter. Criteria: CeGaT Center For Human Genetics Tuebingen Variant Classification Criteria Version 2. Collection method: clinical testing. Allele origin: germline. Affected: yes. Observed: 2 variant alleles.
Comment: CDT1: BP4, BP7

Breakthrough Genomics
Classification: Likely benign. Review status: criteria provided, single submitter. Criteria: ACMG Guidelines, 2015. Collection method: not provided. Allele origin: germline. Inheritance: Autosomal recessive inheritance. Affected: yes.

NM_030928.4(CDT1):c.1401C>T (p.Ser467=)

Gene: CDT1 (chromatin licensing and DNA replication factor 1; plus strand). Cytogenetic location: 16q24.3.
Variant type: single nucleotide variant.
Coding change: c.1401C>T on transcript NM_030928.4 (MANE Select); coding-DNA position 1401, C replaced by T.
Protein change: p.Ser467=; no amino-acid change (serine 467 retained).
Molecular consequence: synonymous variant.
Genome position (GRCh38, 1-based): chr16:88,807,406, C>T. VCF-style: chr16-88807406-C-T. GRCh37 (hg19) VCF-style: chr16-88873814-C-T.
Identifiers: ClinVar variation 1543025 (VCV001543025.32), dbSNP rs151292317, ClinGen allele CA8234151.